The following is an entry in ClinVar:

NM_139318.5(KCNH5):c.685G>A (p.Ala229Thr)

Gene: KCNH5 (potassium voltage-gated channel subfamily H member 5; minus strand). Cytogenetic location: 14q23.2.
Variant type: single nucleotide variant.
Coding change: c.685G>A on transcript NM_139318.5 (MANE Select); coding-DNA position 685, G replaced by A.
Protein change: p.Ala229Thr; replaces alanine 229 with threonine.
Molecular consequence: missense variant.
Genome position (GRCh38, 1-based): chr14:62,981,129, C>T on the plus strand (G>A on the coding strand, the complement: KCNH5 is on the minus strand). VCF-style: chr14-62981129-C-T. GRCh37 (hg19) VCF-style: chr14-63447847-C-T.
Other names: c.685G>A, p.Ala229Thr (NM_172375.3); short protein forms A229T.
Identifiers: ClinVar variation 1369757 (VCV001369757.10), dbSNP rs200308580, ClinGen allele CA7217607.

ClinVar aggregate classification (germline): Uncertain significance (1 of 4 stars; one submission).

Conditions:
Early-infantile DEE. Also called: Early infantile epileptic encephalopathy with suppression bursts; Early infantile epileptic encephalopathy; Ohtahara syndrome. Identifiers: Orphanet 1934, MedGen C0393706, MONDO:0800491.

Allele frequency attached by ClinVar (database versions not stated): TOPMed 0.00005; gnomAD exomes 0.00006; ExAC 0.00008; gnomAD 0.00010; 1000 Genomes Project 30x 0.00016; 1000 Genomes Project 0.00020.

Submission:

Labcorp Genetics (formerly Invitae), Labcorp
Classification: Uncertain significance for Early-infantile DEE. Last evaluated: 2026-02-03. Review status: criteria provided, single submitter. Criteria: Invitae Variant Classification Sherloc (09022015). Collection method: clinical testing. Allele origin: germline.
Comment: This sequence change replaces alanine, which is neutral and non-polar, with threonine, which is neutral and polar, at codon 229 of the KCNH5 protein (p.Ala229Thr). The frequency data for this variant in the population databases is considered unreliable, as metrics indicate poor data quality at this position in the gnomAD database. This variant has not been reported in the literature in individuals affected with KCNH5-related conditions. ClinVar contains an entry for this variant (Variation ID: 1369757). Invitae Evidence Modeling of protein sequence and biophysical properties (such as structural, functional, and spatial information, amino acid conservation, physicochemical variation, residue mobility, and thermodynamic stability) indicates that this missense variant is not expected to disrupt KCNH5 protein function with a negative predictive value of 80%. In summary, the available evidence is currently insufficient to determine the role of this variant in disease. Therefore, it has been classified as a Variant of Uncertain Significance.